The following is an entry in ClinVar:

ClinVar aggregate classification (germline): Uncertain significance (1 of 4 stars; one submission).

Conditions:
Developmental and epileptic encephalopathy, 9 (DEE9). Also called: Early infantile epileptic encephalopathy 9; EPILEPSY, FEMALE-RESTRICTED, WITH MENTAL RETARDATION; JUBERG-HELLMAN SYNDROME; PCDH19-Related X-Linked Female-Limited Epilepsy with Mental Retardation. Identifiers: Orphanet 101039, Orphanet 2076, MedGen C1848137, MONDO:0010246, OMIM 300088. Disease mechanism: loss of function.

Submission:

Labcorp Genetics (formerly Invitae), Labcorp
Classification: Uncertain significance for Developmental and epileptic encephalopathy, 9. Last evaluated: 2025-10-06. Review status: criteria provided, single submitter. Criteria: Invitae Variant Classification Sherloc (09022015). Collection method: clinical testing. Allele origin: germline.
Comment: This sequence change replaces leucine, which is neutral and non-polar, with valine, which is neutral and non-polar, at codon 150 of the PCDH19 protein (p.Leu150Val). This variant is not present in population databases (gnomAD no frequency). This variant has not been reported in the literature in individuals affected with PCDH19-related conditions. Invitae Evidence Modeling of protein sequence and biophysical properties (such as structural, functional, and spatial information, amino acid conservation, physicochemical variation, residue mobility, and thermodynamic stability) has been performed for this missense variant. However, the output from this modeling did not meet the statistical confidence thresholds required to predict the impact of this variant on PCDH19 protein function. In summary, the available evidence is currently insufficient to determine the role of this variant in disease. Therefore, it has been classified as a Variant of Uncertain Significance.

NM_001184880.2(PCDH19):c.448C>G (p.Leu150Val)

Gene: PCDH19 (protocadherin 19; minus strand). Cytogenetic location: Xq22.1.
Variant type: single nucleotide variant.
Coding change: c.448C>G on transcript NM_001184880.2 (MANE Select); coding-DNA position 448, C replaced by G.
Protein change: p.Leu150Val; replaces leucine 150 with valine.
Molecular consequence: missense variant.
Genome position (GRCh38, 1-based): chrX:100,408,150, G>C on the plus strand (C>G on the coding strand, the complement: PCDH19 is on the minus strand). VCF-style: chrX-100408150-G-C. GRCh37 (hg19) VCF-style: chrX-99663148-G-C.
Other names: c.448C>G, p.Leu150Val (NM_001105243.2, NM_020766.3); short protein forms L150V.
Identifiers: ClinVar variation 4806960 (VCV004806960.1).